The following is an entry in ClinVar:

NM_012414.4(RAB3GAP2):c.1092A>G (p.Gln364=)

Gene: RAB3GAP2 (RAB3 GTPase activating non-catalytic protein subunit 2; minus strand). Cytogenetic location: 1q41.
Variant type: single nucleotide variant.
Coding change: c.1092A>G on transcript NM_012414.4 (MANE Select); coding-DNA position 1092, A replaced by G.
Protein change: p.Gln364=; no amino-acid change (glutamine 364 retained).
Molecular consequence: synonymous variant.
Genome position (GRCh38, 1-based): chr1:220,195,116, T>C on the plus strand (A>G on the coding strand, the complement: RAB3GAP2 is on the minus strand). VCF-style: chr1-220195116-T-C. GRCh37 (hg19) VCF-style: chr1-220368458-T-C.
Identifiers: ClinVar variation 513074 (VCV000513074.1), dbSNP rs772862686, ClinGen allele CA1402774.
Genomic context (GRCh38, chr1:220,195,116, plus strand): 5'-TTGGGAAGCATGACAGACTTGCCTTACAGCTAATGGGGTAGCTGGCTCAACCTTCGGCTT[T>C]TGCTTTTGGACAGCTTCTTCTTCGTGCTTACTTTTCCAACCAAGCCAACCACTGAAAAGA-3'
Protein context (NP_036546.2, residues 354-374): SKHEEEAVQK[Gln364=]KPKVEPATPL

ClinVar aggregate classification (germline): Likely benign (1 of 4 stars; one submission).

Allele frequency attached by ClinVar (database versions not stated): TOPMed 0.00002; gnomAD exomes 0.00003 and 0.00002; ExAC 0.00006; gnomAD 0.00001.
gnomAD v4.1: 29 of 1,614,064 alleles (0.0018%); highest among the groups gnomAD compares: Non-Finnish European, 0.0022%; no homozygotes.

Submission:

GeneDx
Classification: Likely benign. Last evaluated: 2017-11-02. Review status: criteria provided, single submitter. Criteria: GeneDx Variant Classification (06012015). Collection method: clinical testing. Allele origin: germline. Affected: yes.
Comment: This variant is considered likely benign or benign based on one or more of the following criteria: it is a conservative change, it occurs at a poorly conserved position in the protein, it is predicted to be benign by multiple in silico algorithms, and/or has population frequency not consistent with disease.